The following is an entry in ClinVar:

ClinVar aggregate classification (germline): Uncertain significance (1 of 4 stars; one submission).

Conditions:
Long QT syndrome (LQTS). Identifiers: MedGen C0023976, MeSH D008133, MONDO:0002442. Disease mechanism: loss of function. Inheritance: Various modes of inheritance.

Submission:

Labcorp Genetics (formerly Invitae), Labcorp
Classification: Uncertain significance for Long QT syndrome. Last evaluated: 2025-04-18. Review status: criteria provided, single submitter. Criteria: Invitae Variant Classification Sherloc (09022015). Collection method: clinical testing. Allele origin: germline.
Comment: This sequence change replaces lysine, which is basic and polar, with asparagine, which is neutral and polar, at codon 2787 of the AKAP9 protein (p.Lys2787Asn). This variant is not present in population databases (gnomAD no frequency). This variant has not been reported in the literature in individuals affected with AKAP9-related conditions. An algorithm developed to predict the effect of missense changes on protein structure and function (PolyPhen-2) suggests that this variant is likely to be tolerated. In summary, the available evidence is currently insufficient to determine the role of this variant in disease. Therefore, it has been classified as a Variant of Uncertain Significance.

NM_005751.5(AKAP9):c.8361G>T (p.Lys2787Asn)

Gene: AKAP9 (A-kinase anchoring protein 9; plus strand). Cytogenetic location: 7q21.2.
Variant type: single nucleotide variant.
Coding change: c.8361G>T on transcript NM_005751.5 (MANE Select); coding-DNA position 8361, G replaced by T.
Protein change: p.Lys2787Asn; replaces lysine 2787 with asparagine.
Molecular consequence: missense variant.
Genome position (GRCh38, 1-based): chr7:92,083,370, G>T. VCF-style: chr7-92083370-G-T. GRCh37 (hg19) VCF-style: chr7-91712684-G-T.
Other names: c.3006G>T, p.Lys1002Asn (NM_001379277.1); c.8337G>T, p.Lys2779Asn (NM_147185.3); short protein forms K2779N, K1002N, K2787N.
Identifiers: ClinVar variation 4736794 (VCV004736794.1).